The following is an entry in ClinVar:

ClinVar aggregate classification (germline): Uncertain significance (1 of 4 stars; one submission).

Conditions:
Familial cold autoinflammatory syndrome 2 (FCAS2). Identifiers: Orphanet 247868, MedGen C2673198, MONDO:0012724, OMIM 611762.

Submission:

Labcorp Genetics (formerly Invitae), Labcorp
Classification: Uncertain significance for Familial cold autoinflammatory syndrome 2. Last evaluated: 2024-10-24. Review status: criteria provided, single submitter. Criteria: Invitae Variant Classification Sherloc (09022015). Collection method: clinical testing. Allele origin: germline.
Comment: This sequence change replaces proline, which is neutral and non-polar, with arginine, which is basic and polar, at codon 456 of the NLRP12 protein (p.Pro456Arg). This variant is not present in population databases (gnomAD no frequency). This variant has not been reported in the literature in individuals affected with NLRP12-related conditions. ClinVar contains an entry for this variant (Variation ID: 1515388). Invitae Evidence Modeling of protein sequence and biophysical properties (such as structural, functional, and spatial information, amino acid conservation, physicochemical variation, residue mobility, and thermodynamic stability) indicates that this missense variant is not expected to disrupt NLRP12 protein function with a negative predictive value of 80%. In summary, the available evidence is currently insufficient to determine the role of this variant in disease. Therefore, it has been classified as a Variant of Uncertain Significance.

NM_144687.4(NLRP12):c.1367C>G (p.Pro456Arg)

Gene: NLRP12 (NLR family pyrin domain containing 12; minus strand). Cytogenetic location: 19q13.42.
Variant type: single nucleotide variant.
Coding change: c.1367C>G on transcript NM_144687.4 (MANE Select); coding-DNA position 1367, C replaced by G.
Protein change: p.Pro456Arg; replaces proline 456 with arginine.
Molecular consequence: missense variant.
Genome position (GRCh38, 1-based): chr19:53,810,292, G>C on the plus strand (C>G on the coding strand, the complement: NLRP12 is on the minus strand). VCF-style: chr19-53810292-G-C. GRCh37 (hg19) VCF-style: chr19-54313546-G-C.
Other names: c.1367C>G, p.Pro456Arg (NM_001277126.2, NM_001277129.1); short protein forms P456R.
Identifiers: ClinVar variation 1515388 (VCV001515388.8), dbSNP rs2122666514, ClinGen allele CA407413690.
Genomic context (GRCh38, chr19:53,810,292, plus strand): 5'-AATAGGATTTTCTGATTCCAGAGCCCATCTGCCGCCAAGGAGCACAACCCTCTCTGGTTG[G>C]GTGGGGGCTGGAGGCGCGGGGCCCCCGGCTTGGGTTGCATCAGACTCAGCAGGTAGAGCA-3'
Protein context (NP_653288.1, residues 446-466): KPGAPRLQPP[Pro456Arg]NQRGLCSLAA